The following is an entry in ClinVar:

NM_022765.4(MICAL1):c.2594T>C (p.Met865Thr)

Gene: MICAL1 (microtubule associated monooxygenase, calponin and LIM domain containing 1; minus strand). Cytogenetic location: 6q21.
Variant type: single nucleotide variant.
Coding change: c.2594T>C on transcript NM_022765.4 (MANE Select); coding-DNA position 2594, T replaced by C.
Protein change: p.Met865Thr; replaces methionine 865 with threonine.
Molecular consequence: missense variant.
Genome position (GRCh38, 1-based): chr6:109,445,850, A>G on the plus strand (T>C on the coding strand, the complement: MICAL1 is on the minus strand). VCF-style: chr6-109445850-A-G. GRCh37 (hg19) VCF-style: chr6-109767053-A-G.
Other names: c.2336T>C, p.Met779Thr (NM_001159291.2); c.2651T>C, p.Met884Thr (NM_001286613.2); short protein forms M779T, M884T, M865T.
Identifiers: ClinVar variation 2055755 (VCV002055755.4), dbSNP rs2482772322, ClinGen allele CA365222890.

ClinVar aggregate classification (germline): Uncertain significance (1 of 4 stars; one submission).

Submission:

Labcorp Genetics (formerly Invitae), Labcorp
Classification: Uncertain significance. Last evaluated: 2021-12-23. Review status: criteria provided, single submitter. Criteria: Invitae Variant Classification Sherloc (09022015). Collection method: clinical testing. Allele origin: germline.
Comment: This sequence change replaces methionine, which is neutral and non-polar, with threonine, which is neutral and polar, at codon 884 of the MICAL1 protein (p.Met884Thr). This variant is not present in population databases (gnomAD no frequency). This variant has not been reported in the literature in individuals affected with MICAL1-related conditions. Algorithms developed to predict the effect of missense changes on protein structure and function output the following: SIFT: "Tolerated"; PolyPhen-2: "Benign"; Align-GVGD: "Class C0". The threonine amino acid residue is found in multiple mammalian species, which suggests that this missense change does not adversely affect protein function. In summary, the available evidence is currently insufficient to determine the role of this variant in disease. Therefore, it has been classified as a Variant of Uncertain Significance.